The following is an entry in ClinVar:

ClinVar aggregate classification (germline): Likely benign (1 of 4 stars; one submission).

Submission:

CeGaT Center for Human Genetics Tuebingen
Classification: Likely benign. Last evaluated: 2024-12-01. Review status: criteria provided, single submitter. Criteria: CeGaT Center For Human Genetics Tuebingen Variant Classification Criteria Version 2. Collection method: clinical testing. Allele origin: germline. Affected: yes. Observed: 1 variant allele.
Comment: NEB: BP4, BP7

NM_001164508.2(NEB):c.14286A>G (p.Val4762=)

Gene: NEB (nebulin; minus strand). Cytogenetic location: 2q23.3.
Variant type: single nucleotide variant.
Coding change: c.14286A>G on transcript NM_001164508.2 (MANE Select); coding-DNA position 14286, A replaced by G.
Protein change: p.Val4762=; no amino-acid change (valine 4762 retained).
Molecular consequence: synonymous variant. On other transcripts: intron variant (1).
Genome position (GRCh38, 1-based): chr2:151,594,238, T>C on the plus strand (A>G on the coding strand, the complement: NEB is on the minus strand). VCF-style: chr2-151594238-T-C. GRCh37 (hg19) VCF-style: chr2-152450752-T-C.
Other names: c.14286A>G, p.Val4762= (NM_001164507.2, NM_001271208.2); c.11601+15571A>G (NM_004543.5).
Identifiers: ClinVar variation 3771210 (VCV003771210.13).